The following is an entry in ClinVar:

ClinVar aggregate classification (germline): Uncertain significance (1 of 4 stars; one submission).

Conditions:
Zellweger spectrum disorders (ZS). Also called: Zellweger Spectrum Disorder (ZSD); Zellweger syndrome; Zellweger Spectrum Disorder; Zellweger Spectrum. Identifiers: Orphanet 912, MedGen C0043459, MONDO:0019609.

Submission:

Labcorp Genetics (formerly Invitae), Labcorp
Classification: Uncertain significance for Zellweger spectrum disorders. Last evaluated: 2022-03-14. Review status: criteria provided, single submitter. Criteria: Invitae Variant Classification Sherloc (09022015). Collection method: clinical testing. Allele origin: germline.
Comment: This sequence change falls in intron 14 of the PEX1 gene. It does not directly change the encoded amino acid sequence of the PEX1 protein. It affects a nucleotide within the consensus splice site. This variant is not present in population databases (gnomAD no frequency). This variant has not been reported in the literature in individuals affected with PEX1-related conditions. Variants that disrupt the consensus splice site are a relatively common cause of aberrant splicing (PMID: 17576681, 9536098). Algorithms developed to predict the effect of sequence changes on RNA splicing suggest that this variant is not likely to affect RNA splicing. In summary, the available evidence is currently insufficient to determine the role of this variant in disease. Therefore, it has been classified as a Variant of Uncertain Significance.

Literature cited by the submitters: PubMed 17576681; PubMed 9536098.

NM_000466.3(PEX1):c.2416+4T>C

Gene: PEX1 (peroxisomal biogenesis factor 1; minus strand). Cytogenetic location: 7q21.2.
Variant type: single nucleotide variant.
Coding change: c.2416+4T>C on transcript NM_000466.3 (MANE Select); 4 bases into the intron after coding-DNA position 2416, T replaced by C.
Molecular consequence: intron variant.
Genome position (GRCh38, 1-based): chr7:92,501,886, A>G on the plus strand (T>C on the coding strand, the complement: PEX1 is on the minus strand). VCF-style: chr7-92501886-A-G. GRCh37 (hg19) VCF-style: chr7-92131200-A-G.
Other names: c.2245+4T>C (NM_001282677.2); c.1792+4T>C (NM_001282678.2).
Identifiers: ClinVar variation 1956829 (VCV001956829.5), dbSNP rs1791945472, ClinGen allele CA2580077840.